The following is an entry in ClinVar:

ClinVar aggregate classification (germline): Uncertain significance (1 of 4 stars; one submission).

Submission:

Labcorp Genetics (formerly Invitae), Labcorp
Classification: Uncertain significance. Last evaluated: 2024-10-26. Review status: criteria provided, single submitter. Criteria: Invitae Variant Classification Sherloc (09022015). Collection method: clinical testing. Allele origin: germline.
Comment: This sequence change replaces glutamic acid, which is acidic and polar, with aspartic acid, which is acidic and polar, at codon 1198 of the ABCA1 protein (p.Glu1198Asp). This variant is not present in population databases (gnomAD no frequency). This variant has not been reported in the literature in individuals affected with ABCA1-related conditions. ClinVar contains an entry for this variant (Variation ID: 2016487). Invitae Evidence Modeling of protein sequence and biophysical properties (such as structural, functional, and spatial information, amino acid conservation, physicochemical variation, residue mobility, and thermodynamic stability) indicates that this missense variant is not expected to disrupt ABCA1 protein function with a negative predictive value of 95%. In summary, the available evidence is currently insufficient to determine the role of this variant in disease. Therefore, it has been classified as a Variant of Uncertain Significance.

NM_005502.4(ABCA1):c.3594A>C (p.Glu1198Asp)

Gene: ABCA1 (ATP binding cassette subfamily A member 1; minus strand). Cytogenetic location: 9q31.1.
Variant type: single nucleotide variant.
Coding change: c.3594A>C on transcript NM_005502.4 (MANE Select); coding-DNA position 3594, A replaced by C.
Protein change: p.Glu1198Asp; replaces glutamic acid 1198 with aspartic acid.
Molecular consequence: missense variant.
Genome position (GRCh38, 1-based): chr9:104,816,287, T>G on the plus strand (A>C on the coding strand, the complement: ABCA1 is on the minus strand). VCF-style: chr9-104816287-T-G. GRCh37 (hg19) VCF-style: chr9-107578568-T-G.
Other names: short protein forms E1198D.
Identifiers: ClinVar variation 2016487 (VCV002016487.4), dbSNP rs1831749954, ClinGen allele CA374318220.